The following is an entry in ClinVar:

ClinVar aggregate classification (germline): Uncertain significance (1 of 4 stars; one submission).

Submission:

Labcorp Genetics (formerly Invitae), Labcorp
Classification: Uncertain significance. Last evaluated: 2023-07-28. Review status: criteria provided, single submitter. Criteria: Invitae Variant Classification Sherloc (09022015). Collection method: clinical testing. Allele origin: germline.
Comment: This variant, c.703_705del, results in the deletion of 1 amino acid(s) of the POLE protein (p.Asp235del), but otherwise preserves the integrity of the reading frame. This variant is not present in population databases (gnomAD no frequency). This variant has not been reported in the literature in individuals affected with POLE-related conditions. Experimental studies and prediction algorithms are not available or were not evaluated, and the functional significance of this variant is currently unknown. In summary, the available evidence is currently insufficient to determine the role of this variant in disease. Therefore, it has been classified as a Variant of Uncertain Significance.

NM_006231.4(POLE):c.703_705del (p.Asp235del)

Gene: POLE (DNA polymerase epsilon, catalytic subunit; minus strand). Cytogenetic location: 12q24.33.
Variant type: Deletion.
Coding change: c.703_705del on transcript NM_006231.4 (MANE Select); coding-DNA positions 703 to 705, 3 bases deleted (GAC; older notation c.703_705delGAC).
Protein change: p.Asp235del; deletes aspartic acid 235.
Molecular consequence: inframe deletion.
Genome position (GRCh38, 1-based): chr12:132,677,593-132,677,595, GTC deleted on the plus strand (GAC on the coding strand, the reverse complement: POLE is on the minus strand). VCF-style (leftmost placement, unchanged base first): chr12-132677592-GGTC-G. GRCh37 (hg19) VCF-style: chr12-133254178-GGTC-G.
Other names: short protein forms D235del.
Identifiers: ClinVar variation 2747602 (VCV002747602.3), dbSNP rs2542179075, ClinGen allele CA2697551627.